The following is an entry in ClinVar:

NM_005909.5(MAP1B):c.3079G>A (p.Glu1027Lys)

Gene: MAP1B (microtubule associated protein 1B; plus strand). Cytogenetic location: 5q13.2.
Variant type: single nucleotide variant.
Coding change: c.3079G>A on transcript NM_005909.5 (MANE Select); coding-DNA position 3079, G replaced by A.
Protein change: p.Glu1027Lys; replaces glutamic acid 1027 with lysine.
Molecular consequence: missense variant.
Genome position (GRCh38, 1-based): chr5:72,196,434, G>A. VCF-style: chr5-72196434-G-A. GRCh37 (hg19) VCF-style: chr5-71492261-G-A.
Other names: c.2701G>A, p.Glu901Lys (NM_001324255.2); short protein forms E1027K, E901K.
Identifiers: ClinVar variation 3905393 (VCV003905393.10).

ClinVar aggregate classification (germline): Uncertain significance (1 of 4 stars; one submission).

gnomAD v4.1: 1 of 1,613,892 alleles (0.000062%); highest among the groups gnomAD compares: Non-Finnish European, 0.000085%; no homozygotes.

Submission:

CeGaT Center for Human Genetics Tuebingen
Classification: Uncertain significance. Last evaluated: 2025-06-01. Review status: criteria provided, single submitter. Criteria: CeGaT Center For Human Genetics Tuebingen Variant Classification Criteria Version 2. Collection method: clinical testing. Allele origin: germline. Affected: yes. Observed: 1 variant allele.
Comment: MAP1B: PM2, BP4